The following is an entry in ClinVar:

ClinVar aggregate classification (germline): Conflicting classifications of pathogenicity. Review status: criteria provided, conflicting classifications (1 of 4 stars). 13 submissions from 13 submitters: Uncertain significance (2); Likely benign (8). 3 of the submissions do not count toward it. Last evaluated 2026-07-01.

Conditions:
Hereditary spastic paraplegia. Also called: Familial spastic paraparesis. Identifiers: Orphanet 685, MedGen C0037773, MONDO:0019064. Disease mechanism: loss of function.
Charlevoix-Saguenay spastic ataxia (SACS). Also called: SPASTIC ATAXIA 6, AUTOSOMAL RECESSIVE; AUTOSOMAL RECESSIVE SPASTIC ATAXIA OF CHARLEVOIX-SAGUENAY; Spastic ataxia of Charlevoix-Saguenay. Identifiers: Orphanet 98, MedGen C1849140, MONDO:0010041, OMIM 270550.
Spastic paraplegia. Identifiers: MedGen C0037772, HP:0001258.
SACS-related disorder. Also called: SACS-related condition.

Allele frequency attached by ClinVar (database versions not stated): gnomAD 0.00042 and 0.00047; ESP Exome Variant Server 0.00046; TOPMed 0.00048.

Submissions (13):

CeGaT Center for Human Genetics Tuebingen
Classification: Likely benign. Last evaluated: 2026-07-01. Review status: criteria provided, single submitter. Criteria: CeGaT Center For Human Genetics Tuebingen Variant Classification Criteria Version 2. Collection method: clinical testing. Allele origin: germline. Affected: yes. Observed: 6 variant alleles.
Comment: SACS: BP4, BP7

PreventionGenetics, part of Exact Sciences
Classification: Likely benign for SACS-related condition. Last evaluated: 2026-04-27. Review status: criteria provided, single submitter. Criteria: ACMG Guidelines, 2015. Collection method: clinical testing. Allele origin: germline.
Comment: This variant is classified as likely benign based on ACMG/AMP sequence variant interpretation guidelines (Richards et al. 2015 PMID: 25741868, with internal and published modifications).

Labcorp Genetics (formerly Invitae), Labcorp
Classification: Likely benign for Spastic paraplegia. Last evaluated: 2026-01-27. Review status: criteria provided, single submitter. Criteria: Invitae Variant Classification Sherloc (09022015). Collection method: clinical testing. Allele origin: germline.

Women's Health and Genetics/Laboratory Corporation of America, LabCorp
Classification: Likely benign. Last evaluated: 2025-09-04. Review status: criteria provided, single submitter. Criteria: LabCorp Variant Classification Summary - May 2015. Collection method: clinical testing. Allele origin: germline.

Mayo Clinic Laboratories, Mayo Clinic
Classification: Likely benign. Last evaluated: 2024-10-30. Review status: criteria provided, single submitter. Criteria: ACMG Guidelines, 2015. Collection method: clinical testing. Allele origin: germline. Observed: 4 variant alleles.
Comment: BP4, BP7

Blueprint Genetics
Classification: Likely benign. Last evaluated: 2024-09-20. Review status: criteria provided, single submitter. Criteria: ACMG Guidelines, 2015. Collection method: clinical testing. Allele origin: germline.

Genome-Nilou Lab
Classification: Likely benign for Charlevoix-Saguenay spastic ataxia. Last evaluated: 2021-09-05. Review status: criteria provided, single submitter. Criteria: ACMG Guidelines, 2015. Collection method: clinical testing. Allele origin: germline. Affected: no.

Athena Diagnostics
Classification: Likely benign. Last evaluated: 2019-09-27. Review status: criteria provided, single submitter. Criteria: Athena Diagnostics Criteria. Collection method: clinical testing. Allele origin: unknown.

Genome Diagnostics Laboratory, The Hospital for Sick Children
Classification: Uncertain significance for Hereditary spastic paraplegia. Last evaluated: 2018-04-01. Review status: criteria provided, single submitter. Criteria: ACMG Guidelines, 2015. Collection method: clinical testing. Allele origin: germline. Affected: yes.

Illumina Laboratory Services, Illumina
Classification: Uncertain significance for Charlevoix-Saguenay spastic ataxia. Last evaluated: 2018-01-12. Review status: criteria provided, single submitter. Criteria: ICSL Variant Classification Criteria 13 December 2019. Collection method: clinical testing. Allele origin: germline.

Natera, Inc.
Classification: Uncertain significance for Charlevoix-Saguenay type spastic ataxia. Last evaluated: 2019-11-11. Review status: no assertion criteria provided. Collection method: clinical testing. Allele origin: germline. Not counted in ClinVar's aggregate classification.

Clinical Genetics DNA and cytogenetics Diagnostics Lab, Erasmus MC, Erasmus Medical Center
Classification: Likely benign. Review status: no assertion criteria provided. Collection method: clinical testing. Allele origin: germline. Affected: yes. Study: VKGL Data-share Consensus. Not counted in ClinVar's aggregate classification.

Joint Genome Diagnostic Labs from Nijmegen and Maastricht, Radboudumc and MUMC+
Classification: Benign. Review status: no assertion criteria provided. Collection method: clinical testing. Allele origin: germline. Affected: yes. Study: VKGL Data-share Consensus. Not counted in ClinVar's aggregate classification.

NM_014363.6(SACS):c.10443C>G (p.Leu3481=)

Gene: SACS (sacsin molecular chaperone; minus strand). Cytogenetic location: 13q12.12.
Variant type: single nucleotide variant.
Coding change: c.10443C>G on transcript NM_014363.6 (MANE Select); coding-DNA position 10443, C replaced by G.
Protein change: p.Leu3481=; no amino-acid change (leucine 3481 retained).
Molecular consequence: synonymous variant.
Genome position (GRCh38, 1-based): chr13:23,333,433, G>C on the plus strand (C>G on the coding strand, the complement: SACS is on the minus strand). VCF-style: chr13-23333433-G-C. GRCh37 (hg19) VCF-style: chr13-23907572-G-C.
Other names: p.Leu3481=; c.10002C>G, p.Leu3334= (NM_001278055.2).
Identifiers: ClinVar variation 311512 (VCV000311512.52), dbSNP rs144087359, ClinGen allele CA6910450.